The following is an entry in ClinVar:

NM_005154.5(USP8):c.886G>A (p.Val296Ile)

Gene: USP8 (ubiquitin specific peptidase 8; plus strand). Cytogenetic location: 15q21.2.
Variant type: single nucleotide variant.
Coding change: c.886G>A on transcript NM_005154.5 (MANE Select); coding-DNA position 886, G replaced by A.
Protein change: p.Val296Ile; replaces valine 296 with isoleucine.
Molecular consequence: missense variant.
Genome position (GRCh38, 1-based): chr15:50,476,885, G>A. VCF-style: chr15-50476885-G-A. GRCh37 (hg19) VCF-style: chr15-50769082-G-A.
Other names: c.886G>A, p.Val296Ile (NM_001128610.3); c.655G>A, p.Val219Ile (NM_001283049.2); short protein forms V296I, V219I.
Identifiers: ClinVar variation 970553 (VCV000970553.9), dbSNP rs138148339, ClinGen allele CA7555599.

ClinVar aggregate classification (germline): Uncertain significance (1 of 4 stars; one submission).

Conditions:
Hereditary spastic paraplegia. Also called: Familial spastic paraparesis. Identifiers: Orphanet 685, MedGen C0037773, MONDO:0019064. Disease mechanism: loss of function.

Allele frequency attached by ClinVar (database versions not stated): gnomAD exomes 0.00013 and 0.00004; ExAC 0.00014; 1000 Genomes Project 30x 0.00078; 1000 Genomes Project 0.00100; gnomAD 0.00005 and 0.00009; TOPMed 0.00006.

Submission:

Labcorp Genetics (formerly Invitae), Labcorp
Classification: Uncertain significance for Hereditary spastic paraplegia. Last evaluated: 2025-09-08. Review status: criteria provided, single submitter. Criteria: Invitae Variant Classification Sherloc (09022015). Collection method: clinical testing. Allele origin: germline.
Comment: This sequence change replaces valine, which is neutral and non-polar, with isoleucine, which is neutral and non-polar, at codon 296 of the USP8 protein (p.Val296Ile). This variant is present in population databases (rs138148339, gnomAD 0.2%), and has an allele count higher than expected for a pathogenic variant. This variant has not been reported in the literature in individuals affected with USP8-related conditions. ClinVar contains an entry for this variant (Variation ID: 970553). An algorithm developed to predict the effect of missense changes on protein structure and function outputs the following: PolyPhen-2: "Probably Damaging". The isoleucine amino acid residue is found in multiple mammalian species, which suggests that this missense change does not adversely affect protein function. In summary, the available evidence is currently insufficient to determine the role of this variant in disease. Therefore, it has been classified as a Variant of Uncertain Significance.